The following is an entry in ClinVar:

NM_001252024.2(TRPM1):c.924G>A (p.Ser308=)

Gene: TRPM1 (transient receptor potential cation channel subfamily M member 1; minus strand). Cytogenetic location: 15q13.3.
Variant type: single nucleotide variant.
Coding change: c.924G>A on transcript NM_001252024.2 (MANE Select); coding-DNA position 924, G replaced by A.
Protein change: p.Ser308=; no amino-acid change (serine 308 retained).
Molecular consequence: synonymous variant.
Genome position (GRCh38, 1-based): chr15:31,063,159, C>T on the plus strand (G>A on the coding strand, the complement: TRPM1 is on the minus strand). VCF-style: chr15-31063159-C-T. GRCh37 (hg19) VCF-style: chr15-31355362-C-T.
Other names: c.975G>A (NM_001252020.1); c.975G>A, p.Ser325= (NM_001252020.2); c.858G>A, p.Ser286= (NM_002420.6).
Identifiers: ClinVar variation 94064 (VCV000094064.16), dbSNP rs376610188, ClinGen allele CA221945.

ClinVar aggregate classification (germline): Conflicting classifications of pathogenicity. Review status: criteria provided, conflicting classifications (1 of 4 stars). 4 submissions from 4 submitters: Uncertain significance (1); Likely benign (2). 1 of the submissions does not count toward it. Last evaluated 2025-09-02.

Conditions:
TRPM1-related disorder. Also called: TRPM1-related condition.

Allele frequency attached by ClinVar (database versions not stated): ESP Exome Variant Server 0.00032; gnomAD exomes 0.00010 and 0.00031; ExAC 0.00011; gnomAD 0.00012 and 0.00014; TOPMed 0.00014.
gnomAD v4.1: 458 of 1,614,078 alleles (0.028%); highest among the groups gnomAD compares: Non-Finnish European, 0.037%; no homozygotes.

Submissions (4):

Labcorp Genetics (formerly Invitae), Labcorp
Classification: Likely benign. Last evaluated: 2025-09-02. Review status: criteria provided, single submitter. Criteria: Invitae Variant Classification Sherloc (09022015). Collection method: clinical testing. Allele origin: germline.

Blueprint Genetics
Classification: Likely benign. Last evaluated: 2024-09-20. Review status: criteria provided, single submitter. Criteria: ACMG Guidelines, 2015. Collection method: clinical testing. Allele origin: germline.

Eurofins Ntd Llc (ga)
Classification: Uncertain significance. Last evaluated: 2013-11-20. Review status: criteria provided, single submitter. Criteria: EGL Classification Definitions 2015. Collection method: clinical testing. Allele origin: germline. Observed: 1 variant allele, 1 heterozygote.

PreventionGenetics, part of Exact Sciences
Classification: Likely benign for TRPM1-related condition. Last evaluated: 2024-09-05. Review status: no assertion criteria provided. Collection method: clinical testing. Allele origin: germline. Not counted in ClinVar's aggregate classification.
Comment: This variant is classified as likely benign based on ACMG/AMP sequence variant interpretation guidelines (Richards et al. 2015 PMID: 25741868, with internal and published modifications).